The following is an entry in ClinVar:

NM_025114.4(CEP290):c.7109G>A (p.Gly2370Glu)

Gene: CEP290 (centrosomal protein 290; minus strand). Cytogenetic location: 12q21.32.
Variant type: single nucleotide variant.
Coding change: c.7109G>A on transcript NM_025114.4 (MANE Select); coding-DNA position 7109, G replaced by A.
Protein change: p.Gly2370Glu; replaces glycine 2370 with glutamic acid.
Molecular consequence: missense variant.
Genome position (GRCh38, 1-based): chr12:88,053,672, C>T on the plus strand (G>A on the coding strand, the complement: CEP290 is on the minus strand). VCF-style: chr12-88053672-C-T. GRCh37 (hg19) VCF-style: chr12-88447449-C-T.
Other names: short protein forms G2370E.
Identifiers: ClinVar variation 3354655 (VCV003354655.3).

ClinVar aggregate classification (germline): Uncertain significance. Review status: criteria provided, single submitter (1 of 4 stars). 3 submissions from 3 submitters: Uncertain significance (1). 2 of the submissions do not count toward it. Last evaluated 2025-12-01.

Conditions:
CEP290-related disorder. Also called: CEP290-related condition; CEP290-related disorders. Identifiers: MedGen CN239314.
Joubert syndrome. Also called: JOUBERT-BOLTSHAUSER SYNDROME; CEREBELLOPARENCHYMAL DISORDER IV; Familial aplasia of the vermis. Identifiers: Orphanet 475, MedGen C5979921, MONDO:0018772.
Nephronophthisis. Also called: Juvenile Nephronophthisis. Identifiers: Orphanet 655, MedGen C0687120, MONDO:0019005, HP:0000090.
Meckel-Gruber syndrome. Also called: DYSENCEPHALIA SPLANCHNOCYSTICA; GRUBER SYNDROME; Dysencephalia splachnocystica. Identifiers: Orphanet 564, MedGen C0265215, MONDO:0018921.
Leber congenital amaurosis (LCA). Also called: Leber's amaurosis. Identifiers: Orphanet 65, MedGen C0339527, MeSH D057130, MONDO:0018998.

gnomAD v4.1: 2 of 1,539,188 alleles (0.00013%); highest among the groups gnomAD compares: South Asian, 0.0012%; no homozygotes.

Submissions (3):

Labcorp Genetics (formerly Invitae), Labcorp
Classification: Uncertain significance for Joubert syndrome; Meckel-Gruber syndrome; Nephronophthisis. Last evaluated: 2025-12-01. Review status: criteria provided, single submitter. Criteria: Invitae Variant Classification Sherloc (09022015). Collection method: clinical testing. Allele origin: germline.
Comment: This sequence change replaces glycine, which is neutral and non-polar, with glutamic acid, which is acidic and polar, at codon 2370 of the CEP290 protein (p.Gly2370Glu). This variant is not present in population databases (gnomAD no frequency). This variant has not been reported in the literature in individuals affected with CEP290-related conditions. ClinVar contains an entry for this variant (Variation ID: 3354655). An algorithm developed to predict the effect of missense changes on protein structure and function (PolyPhen-2) suggests that this variant is likely to be tolerated. In summary, the available evidence is currently insufficient to determine the role of this variant in disease. Therefore, it has been classified as a Variant of Uncertain Significance.

Natera, Inc.
Classification: Uncertain significance for Leber congenital amaurosis. Last evaluated: 2025-04-21. Review status: no assertion criteria provided. Collection method: clinical testing. Allele origin: germline. Not counted in ClinVar's aggregate classification.

PreventionGenetics, part of Exact Sciences
Classification: Uncertain significance for CEP290-related condition. Last evaluated: 2024-04-18. Review status: no assertion criteria provided. Collection method: clinical testing. Allele origin: germline. Not counted in ClinVar's aggregate classification.
Comment: The CEP290 c.7109G>A variant is predicted to result in the amino acid substitution p.Gly2370Glu. To our knowledge, this variant has not been reported in the literature or in a large population database, indicating this variant is rare. At this time, the clinical significance of this variant is uncertain due to the absence of conclusive functional and genetic evidence.